The following is an entry in ClinVar:

ClinVar aggregate classification (germline): Likely benign (1 of 4 stars; one submission).

gnomAD v4.1: 13 of 1,180,479 alleles (0.0011%); highest among the groups gnomAD compares: South Asian, 0.015%; no homozygotes.

Submission:

CeGaT Center for Human Genetics Tuebingen
Classification: Likely benign. Last evaluated: 2026-07-01. Review status: criteria provided, single submitter. Criteria: CeGaT Center For Human Genetics Tuebingen Variant Classification Criteria Version 2. Collection method: clinical testing. Allele origin: germline. Affected: yes. Observed: 1 variant allele.
Comment: FGF13: BP4, BS2

NM_004114.5(FGF13):c.201G>A (p.Lys67=)

Gene: FGF13 (fibroblast growth factor 13; minus strand). Cytogenetic location: Xq26.3.
Variant type: single nucleotide variant.
Coding change: c.201G>A on transcript NM_004114.5 (MANE Select); coding-DNA position 201, G replaced by A.
Protein change: p.Lys67=; no amino-acid change (lysine 67 retained).
Molecular consequence: synonymous variant.
Genome position (GRCh38, 1-based): chrX:138,708,915, C>T on the plus strand (G>A on the coding strand, the complement: FGF13 is on the minus strand). VCF-style: chrX-138708915-C-T. GRCh37 (hg19) VCF-style: chrX-137791077-C-T.
Other names: c.63G>A, p.Lys21= (NM_001139498.2); c.231G>A, p.Lys77= (NM_001139500.2); c.144G>A, p.Lys48= (NM_001139501.2, NM_001139502.2); c.42G>A, p.Lys14= (NM_033642.3).
Identifiers: ClinVar variation 5040159 (VCV005040159.1).
Genomic context (GRCh38, chrX:138,708,915, plus strand): 5'-TCCATCCGCCTGCAGCTGCAAGTGGTAGCCTTGTCGGCTGTATAGCTTGGTAACTATACC[C>T]TTAAGCTGAGGCTCTGCAAAGAGAACAATGATTTGGATCAATTGATAAATTGTGCCTATG-3'
Protein context (NP_004105.1, residues 57-77): RRRRRPEPQL[Lys67=]GIVTKLYSRQ